The following is an entry in ClinVar:

ClinVar aggregate classification (germline): Benign/Likely benign. Review status: criteria provided, multiple submitters, no conflicts (2 of 4 stars). 6 submissions from 6 submitters: Benign (1); Likely benign (5). Last evaluated 2026-01-25.

Conditions:
Classic or attenuated familial adenomatous polyposis. Identifiers: MedGen CN372698, MONDO:0021057.
Hereditary cancer-predisposing syndrome. Also called: Neoplastic Syndromes, Hereditary; Tumor predisposition; Hereditary Cancer Syndrome; Hereditary neoplastic syndrome. Identifiers: Orphanet 140162, MedGen C0027672, MeSH D009386, MONDO:0015356.
Familial adenomatous polyposis 1 (FAP1). Also called: FAMILIAL ADENOMATOUS POLYPOSIS 1, ATTENUATED; POLYPOSIS, ADENOMATOUS INTESTINAL. Identifiers: MedGen C2713442, MONDO:0021056, OMIM 175100. Disease mechanism: loss of function.

Allele frequency attached by ClinVar (database versions not stated): gnomAD exomes below 0.00001; ExAC 0.00001.
gnomAD v4.1: 1 of 1,614,194 alleles (0.000062%); highest among the groups gnomAD compares: East Asian, 0.0022%; no homozygotes.

Submissions (6):

Labcorp Genetics (formerly Invitae), Labcorp
Classification: Likely benign for Familial adenomatous polyposis 1. Last evaluated: 2026-01-25. Review status: criteria provided, single submitter. Criteria: Invitae Variant Classification Sherloc (09022015). Collection method: clinical testing. Allele origin: germline.

Myriad Genetics, Inc.
Classification: Benign for Familial adenomatous polyposis 1. Last evaluated: 2024-03-25. Review status: criteria provided, single submitter. Criteria: Myriad Autosomal Dominant, Autosomal Recessive and X-Linked Classification Criteria (2023). Collection method: clinical testing. Allele origin: unknown.
Comment: This variant is considered benign. This variant is a silent/synonymous amino acid change and it is not expected to impact splicing.

All of Us Research Program, National Institutes of Health
Classification: Likely benign for Classic or attenuated familial adenomatous polyposis. Last evaluated: 2023-11-02. Review status: criteria provided, single submitter. Criteria: ACMG Guidelines, 2015. Collection method: clinical testing. Allele origin: germline. Inheritance: Autosomal dominant inheritance. Observed: 1 variant allele, 1 heterozygote.
Comment: This study involves interpretation of variants in research participants for the purpose of population health screening. Participant phenotype was not available at the time of variant classification. Additional details can be found in publication PMID: 35346344, PMCID: PMC8962531

Ambry Genetics
Classification: Likely benign for Hereditary cancer-predisposing syndrome. Last evaluated: 2020-05-29. Review status: criteria provided, single submitter. Criteria: Ambry Variant Classification Scheme 2023. Collection method: clinical testing. Allele origin: germline.

Women's Health and Genetics/Laboratory Corporation of America, LabCorp
Classification: Likely benign. Last evaluated: 2020-01-31. Review status: criteria provided, single submitter. Criteria: LabCorp Variant Classification Summary - May 2015. Collection method: clinical testing. Allele origin: germline.

Color Diagnostics, LLC DBA Color Health
Classification: Likely benign for Hereditary cancer-predisposing syndrome. Last evaluated: 2019-10-31. Review status: criteria provided, single submitter. Criteria: ACMG Guidelines, 2015. Collection method: clinical testing. Allele origin: germline.

NM_000038.6(APC):c.3957T>A (p.Pro1319=)

Gene: APC (APC regulator of Wnt signaling pathway; plus strand). Cytogenetic location: 5q22.2.
Variant type: single nucleotide variant.
Coding change: c.3957T>A on transcript NM_000038.6 (MANE Select); coding-DNA position 3957, T replaced by A.
Protein change: p.Pro1319=; no amino-acid change (proline 1319 retained).
Molecular consequence: synonymous variant.
Genome position (GRCh38, 1-based): chr5:112,839,551, T>A. VCF-style: chr5-112839551-T-A. GRCh37 (hg19) VCF-style: chr5-112175248-T-A.
Other names: c.3957T>A, p.Pro1319= (NM_001127510.3, NM_001354895.2); c.3903T>A, p.Pro1301= (NM_001127511.3); c.4011T>A, p.Pro1337= (NM_001354896.2); c.3987T>A, p.Pro1329= (NM_001354897.2); c.3882T>A, p.Pro1294= (NM_001354898.2); c.3873T>A, p.Pro1291= (NM_001354899.2); c.3834T>A, p.Pro1278= (NM_001354900.2); c.3780T>A, p.Pro1260= (NM_001354901.2); and 5 more.
Identifiers: ClinVar variation 923929 (VCV000923929.15), dbSNP rs773123653, ClinGen allele CA037168.